The following is an entry in ClinVar:

ClinVar aggregate classification (germline): Benign (1 of 4 stars; one submission).

Allele frequency attached by ClinVar (database versions not stated): 1000 Genomes Project 30x 0.00172; 1000 Genomes Project 0.00200; ESP Exome Variant Server 0.00254; TOPMed 0.00295; ExAC 0.00498; gnomAD exomes 0.00505; gnomAD 0.00533.
gnomAD v4.1: 8,104 of 1,612,628 alleles (0.5%); highest among the groups gnomAD compares: Non-Finnish European, 0.46%; 55 homozygotes.

Submission:

CeGaT Center for Human Genetics Tuebingen
Classification: Benign. Last evaluated: 2022-11-01. Review status: criteria provided, single submitter. Criteria: CeGaT Center For Human Genetics Tuebingen Variant Classification Criteria Version 2. Collection method: clinical testing. Allele origin: germline. Affected: yes. Observed: 1 variant allele.
Comment: HRNR: BS1, BS2

NM_001009931.3(HRNR):c.1634G>A (p.Arg545His)

Genes: CCDST (cervical cancer associated DHX9 suppressive transcript; plus strand), HRNR (hornerin; minus strand). Cytogenetic location: 1q21.3.
Variant type: single nucleotide variant.
Coding change: c.1634G>A on transcript NM_001009931.3 (MANE Select); coding-DNA position 1634, G replaced by A.
Protein change: p.Arg545His; replaces arginine 545 with histidine.
Molecular consequence: missense variant.
Genome position (GRCh38, 1-based): chr1:152,219,995, C>T on the plus strand (G>A on the coding strand, the complement: HRNR is on the minus strand). VCF-style: chr1-152219995-C-T. GRCh37 (hg19) VCF-style: chr1-152192471-C-T.
Other names: short protein forms R545H.
Identifiers: ClinVar variation 2639212 (VCV002639212.24), dbSNP rs146592977, ClinGen allele CA1102074.